The following is an entry in ClinVar:

ClinVar aggregate classification (germline): Uncertain significance (1 of 4 stars; one submission).

Submission:

Labcorp Genetics (formerly Invitae), Labcorp
Classification: Uncertain significance. Last evaluated: 2022-11-15. Review status: criteria provided, single submitter. Criteria: Invitae Variant Classification Sherloc (09022015). Collection method: clinical testing. Allele origin: germline.
Comment: This sequence change replaces leucine, which is neutral and non-polar, with proline, which is neutral and non-polar, at codon 39 of the GPAA1 protein (p.Leu39Pro). This variant is not present in population databases (gnomAD no frequency). In summary, the available evidence is currently insufficient to determine the role of this variant in disease. Therefore, it has been classified as a Variant of Uncertain Significance. Advanced modeling of protein sequence and biophysical properties (such as structural, functional, and spatial information, amino acid conservation, physicochemical variation, residue mobility, and thermodynamic stability) performed at Invitae indicates that this missense variant is expected to disrupt GPAA1 protein function. ClinVar contains an entry for this variant (Variation ID: 1440664). This variant has not been reported in the literature in individuals affected with GPAA1-related conditions.

NM_003801.4(GPAA1):c.116T>C (p.Leu39Pro)

Gene: GPAA1 (glycosylphosphatidylinositol anchor attachment 1; plus strand). Cytogenetic location: 8q24.3.
Variant type: single nucleotide variant.
Coding change: c.116T>C on transcript NM_003801.4 (MANE Select); coding-DNA position 116, T replaced by C.
Protein change: p.Leu39Pro; replaces leucine 39 with proline.
Molecular consequence: missense variant.
Genome position (GRCh38, 1-based): chr8:144,083,165, T>C. VCF-style: chr8-144083165-T-C. GRCh37 (hg19) VCF-style: chr8-145138068-T-C.
Other names: short protein forms L39P.
Identifiers: ClinVar variation 1440664 (VCV001440664.4), dbSNP rs2129938324, ClinGen allele CA372597439.
Genomic context (GRCh38, chr8:144,083,165, plus strand): 5'-CCTCCGTCCTCTCTCACAGCGTGCTGAGCTACGTGGCGGGCATCGCCTGGTTCTTGGCGC[T>C]GGTTTTCCCGCCGCTGACCCAGCGCACTTACATGTCGGAGAACGCCATGGGCTCCACCAT-3'
Protein context (NP_003792.1, residues 29-49): YVAGIAWFLA[Leu39Pro]VFPPLTQRTY